The following is an entry in ClinVar:

ClinVar aggregate classification (germline): Likely benign. Review status: criteria provided, multiple submitters, no conflicts (2 of 4 stars). 3 submissions from 3 submitters: Likely benign (3). Last evaluated 2025-11-09.

Conditions:
Tuberous sclerosis syndrome (TSC). Also called: Tuberous Sclerosis Complex; Tuberous sclerosis. Identifiers: Orphanet 805, MedGen C0041341, MONDO:0001734.
Tuberous sclerosis 1 (TSC1). Identifiers: Orphanet 805, MedGen C1854465, MONDO:0008612, OMIM 191100.

Allele frequency attached by ClinVar (database versions not stated): gnomAD exomes below 0.00001.
gnomAD v4.1: 3 of 1,613,606 alleles (0.00019%); highest among the groups gnomAD compares: Non-Finnish European, 0.00025%; no homozygotes.

Submissions (3):

Labcorp Genetics (formerly Invitae), Labcorp
Classification: Likely benign for Tuberous sclerosis 1. Last evaluated: 2025-11-09. Review status: criteria provided, single submitter. Criteria: Invitae Variant Classification Sherloc (09022015). Collection method: clinical testing. Allele origin: germline.

Color Diagnostics, LLC DBA Color Health
Classification: Likely benign for Tuberous sclerosis syndrome. Last evaluated: 2025-05-30. Review status: criteria provided, single submitter. Criteria: ACMG Guidelines, 2015. Collection method: clinical testing. Allele origin: germline.

Myriad Genetics, Inc.
Classification: Likely benign for Tuberous sclerosis 1. Last evaluated: 2025-04-25. Review status: criteria provided, single submitter. Criteria: Myriad Autosomal Dominant, Autosomal Recessive and X-Linked Classification Criteria (2023). Collection method: clinical testing. Allele origin: unknown.
Comment: This variant is considered likely benign. This variant is intronic and is not expected to impact mRNA splicing.

NM_000368.5(TSC1):c.2392-7T>C

Gene: TSC1 (TSC complex subunit 1; minus strand). Cytogenetic location: 9q34.13.
Variant type: single nucleotide variant.
Coding change: c.2392-7T>C on transcript NM_000368.5 (MANE Select); 7 bases into the intron before coding-DNA position 2392, T replaced by C.
Molecular consequence: intron variant.
Genome position (GRCh38, 1-based): chr9:132,901,706, A>G on the plus strand (T>C on the coding strand, the complement: TSC1 is on the minus strand). VCF-style: chr9-132901706-A-G. GRCh37 (hg19) VCF-style: chr9-135777093-A-G.
Other names: c.2029-7T>C (NM_001362177.2); c.2239-7T>C (NM_001162427.2); c.2389-7T>C (NM_001162426.2).
Identifiers: ClinVar variation 534493 (VCV000534493.14), dbSNP rs1554814693, ClinGen allele CA658797311.